The following is an entry in ClinVar:

NM_001848.3(COL6A1):c.3047T>A (p.Val1016Asp)

Gene: COL6A1 (collagen type VI alpha 1 chain; plus strand). Cytogenetic location: 21q22.3.
Variant type: single nucleotide variant.
Coding change: c.3047T>A on transcript NM_001848.3 (MANE Select); coding-DNA position 3047, T replaced by A.
Protein change: p.Val1016Asp; replaces valine 1016 with aspartic acid.
Molecular consequence: missense variant.
Genome position (GRCh38, 1-based): chr21:46,003,973, T>A. VCF-style: chr21-46003973-T-A. GRCh37 (hg19) VCF-style: chr21-47423887-T-A.
Other names: short protein forms V1016D.
Identifiers: ClinVar variation 4769258 (VCV004769258.1).

ClinVar aggregate classification (germline): Uncertain significance (1 of 4 stars; one submission).

Conditions:
Bethlem myopathy 1A. Also called: Bethlem myopathy 1; Bethlem Muscular Dystrophy; MYOPATHY, BENIGN CONGENITAL, WITH CONTRACTURES. Identifiers: Orphanet 610, MedGen CN029274, MONDO:0024530, OMIM 158810.

Submission:

Labcorp Genetics (formerly Invitae), Labcorp
Classification: Uncertain significance for Bethlem myopathy 1A. Last evaluated: 2025-10-27. Review status: criteria provided, single submitter. Criteria: Invitae Variant Classification Sherloc (09022015). Collection method: clinical testing. Allele origin: germline.
Comment: This sequence change replaces valine, which is neutral and non-polar, with aspartic acid, which is acidic and polar, at codon 1016 of the COL6A1 protein (p.Val1016Asp). This variant is not present in population databases (gnomAD no frequency). This variant has not been reported in the literature in individuals affected with COL6A1-related conditions. Invitae Evidence Modeling of protein sequence and biophysical properties (such as structural, functional, and spatial information, amino acid conservation, physicochemical variation, residue mobility, and thermodynamic stability) has been performed for this missense variant. However, the output from this modeling did not meet the statistical confidence thresholds required to predict the impact of this variant on COL6A1 protein function. In summary, the available evidence is currently insufficient to determine the role of this variant in disease. Therefore, it has been classified as a Variant of Uncertain Significance.